The following is an entry in ClinVar:

NM_001042492.3(NF1):c.4834A>T (p.Arg1612Trp)

Gene: NF1 (neurofibromin 1; plus strand). Cytogenetic location: 17q11.2.
Variant type: single nucleotide variant.
Coding change: c.4834A>T on transcript NM_001042492.3 (MANE Select); coding-DNA position 4834, A replaced by T.
Protein change: p.Arg1612Trp; replaces arginine 1612 with tryptophan.
Molecular consequence: missense variant.
Genome position (GRCh38, 1-based): chr17:31,265,338, A>T. VCF-style: chr17-31265338-A-T. GRCh37 (hg19) VCF-style: chr17-29592356-A-T.
Other names: c.4771A>T, p.Arg1591Trp (NM_000267.4); short protein forms R1591W, R1612W.
Identifiers: ClinVar variation 1716482 (VCV001716482.6), dbSNP rs755137259, ClinGen allele CA399001388.

ClinVar aggregate classification (germline): Uncertain significance. Review status: criteria provided, multiple submitters, no conflicts (2 of 4 stars). 2 submissions from 2 submitters: Uncertain significance (2). Last evaluated 2024-02-16.

Conditions:
Neurofibromatosis, type 1 (NF1). Also called: Peripheral type neurofibromatosis; VON RECKLINGHAUSEN DISEASE; NEUROFIBROMATOSIS, TYPE I, SOMATIC; Neurofibromatosis, type I. Identifiers: Orphanet 636, MedGen C0027831, MONDO:0018975, OMIM 162200. Disease mechanism: loss of function.
Cardiovascular phenotype. Identifiers: MedGen CN230736.
Hereditary cancer-predisposing syndrome. Also called: Hereditary neoplastic syndrome; Tumor predisposition; Neoplastic Syndromes, Hereditary; Hereditary Cancer Syndrome. Identifiers: Orphanet 140162, MedGen C0027672, MeSH D009386, MONDO:0015356.

Submissions (2):

Ambry Genetics
Classification: Uncertain significance for Cardiovascular phenotype; Hereditary cancer-predisposing syndrome. Last evaluated: 2024-02-16. Review status: criteria provided, single submitter. Criteria: Ambry Variant Classification Scheme 2023. Collection method: clinical testing. Allele origin: germline.
Comment: The p.R1591W variant (also known as c.4771A>T), located in coding exon 35 of the NF1 gene, results from an A to T substitution at nucleotide position 4771. The arginine at codon 1591 is replaced by tryptophan, an amino acid with dissimilar properties. This amino acid position is highly conserved in available vertebrate species. In addition, this alteration is predicted to be deleterious by in silico analysis. Based on the available evidence, the clinical significance of this alteration remains unclear.

Labcorp Genetics (formerly Invitae), Labcorp
Classification: Uncertain significance for Neurofibromatosis, type 1. Last evaluated: 2022-08-07. Review status: criteria provided, single submitter. Criteria: Invitae Variant Classification Sherloc (09022015). Collection method: clinical testing. Allele origin: germline.
Comment: In summary, the available evidence is currently insufficient to determine the role of this variant in disease. Therefore, it has been classified as a Variant of Uncertain Significance. Algorithms developed to predict the effect of sequence changes on RNA splicing suggest that this variant may create or strengthen a splice site. Algorithms developed to predict the effect of missense changes on protein structure and function are either unavailable or do not agree on the potential impact of this missense change (SIFT: "Deleterious"; PolyPhen-2: "Probably Damaging"; Align-GVGD: "Class C0"). This variant has not been reported in the literature in individuals affected with NF1-related conditions. This variant is not present in population databases (gnomAD no frequency). This sequence change replaces arginine, which is basic and polar, with tryptophan, which is neutral and slightly polar, at codon 1591 of the NF1 protein (p.Arg1591Trp).